The following is an entry in ClinVar:

NM_005359.6(SMAD4):c.1573A>G (p.Ile525Val)

Gene: SMAD4 (SMAD family member 4; plus strand). Cytogenetic location: 18q21.2.
Variant type: single nucleotide variant.
Coding change: c.1573A>G on transcript NM_005359.6 (MANE Select); coding-DNA position 1573, A replaced by G.
Protein change: p.Ile525Val; replaces isoleucine 525 with valine.
Molecular consequence: missense variant.
Genome position (GRCh38, 1-based): chr18:51,078,381, A>G. VCF-style: chr18-51078381-A-G. GRCh37 (hg19) VCF-style: chr18-48604751-A-G.
Other names: p.I525V:ATT>GTT; short protein forms I525V.
Identifiers: ClinVar variation 41788 (VCV000041788.90), dbSNP rs149755320, ClinGen allele CA211890.

ClinVar aggregate classification (germline): Benign/Likely benign. Review status: criteria provided, multiple submitters, no conflicts (2 of 4 stars). 33 submissions from 31 submitters: Benign (8); Likely benign (15). 10 of the submissions do not count toward it. Last evaluated 2026-09-21.

Conditions:
Familial thoracic aortic aneurysm and aortic dissection (TAAD). Also called: Thoracic aortic aneurysms and dissections. Identifiers: Orphanet 91387, MedGen C4707243, MONDO:0019625.
Hereditary cancer-predisposing syndrome. Also called: Tumor predisposition; Neoplastic Syndromes, Hereditary; Hereditary Cancer Syndrome; Hereditary neoplastic syndrome. Identifiers: Orphanet 140162, MedGen C0027672, MeSH D009386, MONDO:0015356.
Juvenile polyposis syndrome (JPS). Identifiers: Orphanet 2929, MedGen C0345893, MONDO:0017380, OMIM 174900.
Gastrointestinal polyposis. Identifiers: MedGen CN221591.
Myhre syndrome (MYHRS). Also called: LARYNGOTRACHEAL STENOSIS, ARTHROPATHY, PROGNATHISM, AND SHORT STATURE; LAPS SYNDROME. Identifiers: Orphanet 2588, MedGen C0796081, MONDO:0007688, OMIM 139210.
Generalized juvenile polyposis/juvenile polyposis coli. Also called: Juvenile polyposis coli. Identifiers: Orphanet 329971, MedGen C1868081, MONDO:0008276.
Juvenile polyposis/hereditary hemorrhagic telangiectasia syndrome (JPHT). Also called: Juvenile Polyposis Syndrome / Hereditary Hemorrhagic Telangiectasia (JPS/HHT); JP/HHT SYNDROME; JUVENILE POLYPOSIS WITH HEREDITARY HEMORRHAGIC TELANGIECTASIA; POLYPOSIS, GENERALIZED JUVENILE, WITH PULMONARY ARTERIOVENOUS MALFORMATION; TELANGIECTASIA, HEREDITARY HEMORRHAGIC, WITH JUVENILE POLYPOSIS COLI. Identifiers: Orphanet 2929, MedGen C1832942, MONDO:0008278, OMIM 175050.

Allele frequency attached by ClinVar (database versions not stated): gnomAD exomes 0.00058 and 0.00111; gnomAD 0.00068 and 0.00071; ExAC 0.00070; TOPMed 0.00073; ESP Exome Variant Server 0.00085.
gnomAD v4.1: 1,734 of 1,614,088 alleles (0.11%); highest among the groups gnomAD compares: Non-Finnish European, 0.13%; 1 homozygote.

Submissions 1 to 20 of 33:

Molecular Diagnostic Laboratory for Inherited Cardiovascular Disease, Montreal Heart Institute
Classification: Likely benign. Last evaluated: 2026-09-21. Review status: criteria provided, single submitter. Criteria: ACMG Guidelines, 2015. Collection method: clinical testing. Allele origin: germline. Affected: no.
Comment: BS1

CeGaT Center for Human Genetics Tuebingen
Classification: Benign. Last evaluated: 2026-04-01. Review status: criteria provided, single submitter. Criteria: CeGaT Center For Human Genetics Tuebingen Variant Classification Criteria Version 2. Collection method: clinical testing. Allele origin: germline. Affected: yes. Observed: 4 variant alleles.
Comment: SMAD4: PP2, BS1, BS2

Labcorp Genetics (formerly Invitae), Labcorp
Classification: Benign for Juvenile polyposis syndrome. Last evaluated: 2026-02-03. Review status: criteria provided, single submitter. Criteria: Invitae Variant Classification Sherloc (09022015). Collection method: clinical testing. Allele origin: germline.

Center for Genomic Medicine, Rigshospitalet, Copenhagen University Hospital
Classification: Likely benign. Last evaluated: 2025-12-29. Review status: criteria provided, single submitter. Criteria: ACMG Guidelines, 2015. Collection method: clinical testing. Allele origin: germline.
Comment: Classification criteria: BS1

Mayo Clinic Laboratories, Mayo Clinic
Classification: Likely benign. Last evaluated: 2025-02-07. Review status: criteria provided, single submitter. Criteria: ACMG Guidelines, 2015. Collection method: clinical testing. Allele origin: germline. Observed: 4 variant alleles.
Comment: BS1, BP6

Myriad Genetics, Inc.
Classification: Benign for Juvenile polyposis/hereditary hemorrhagic telangiectasia syndrome. Last evaluated: 2025-01-23. Review status: criteria provided, single submitter. Criteria: Myriad Autosomal Dominant, Autosomal Recessive and X-Linked Classification Criteria (2023). Collection method: clinical testing. Allele origin: unknown.
Comment: This variant is considered benign. Homozygosity has been confirmed in one or more individuals. As homozygosity for pathogenic variants in this gene is generally assumed to result in embryonic lethality, this variant is unlikely to be pathogenic. This variant has been observed at a population frequency that is significantly greater than expected given the associated disease prevalence and penetrance.

Color Diagnostics, LLC DBA Color Health
Classification: Benign for Hereditary cancer-predisposing syndrome. Last evaluated: 2024-10-11. Review status: criteria provided, single submitter. Criteria: ACMG Guidelines, 2015. Collection method: clinical testing. Allele origin: germline.

Blueprint Genetics
Classification: Likely benign. Last evaluated: 2024-09-27. Review status: criteria provided, single submitter. Criteria: ACMG Guidelines, 2015. Collection method: clinical testing. Allele origin: germline.

ARUP Laboratories, Molecular Genetics and Genomics, ARUP Laboratories
Classification: Likely benign. Last evaluated: 2024-08-09. Review status: criteria provided, single submitter. Criteria: ARUP Molecular Germline Variant Investigation Process 2024. Collection method: clinical testing. Allele origin: germline.

Department of Pathology and Laboratory Medicine, Sinai Health System
Classification: Likely benign for Juvenile polyposis syndrome. Last evaluated: 2023-07-14. Review status: criteria provided, single submitter. Criteria: ACMG Guidelines, 2015. Collection method: clinical testing. Allele origin: germline. Affected: yes.

Quest Diagnostics Nichols Institute San Juan Capistrano
Classification: Likely benign. Last evaluated: 2023-05-10. Review status: criteria provided, single submitter. Criteria: Quest Diagnostics criteria. Collection method: clinical testing. Allele origin: unknown.

GeneDx
Classification: Likely benign. Last evaluated: 2021-10-27. Review status: criteria provided, single submitter. Criteria: GeneDx Variant Classification Process June 2021. Collection method: clinical testing. Allele origin: germline. Affected: yes.
Comment: This variant is associated with the following publications: (PMID: 25637381, 23399955, 25742471, 26919633, 21835029, 27153395, 30719162, 25695693, 25314059, 25318351, 22703879, 25980754, 25356985, 25589618, 27443514, 28196074, 28451460)

Women's Health and Genetics/Laboratory Corporation of America, LabCorp
Classification: Benign. Last evaluated: 2021-02-08. Review status: criteria provided, single submitter. Criteria: LabCorp Variant Classification Summary - May 2015. Collection method: clinical testing. Allele origin: germline.
Comment: Variant summary: SMAD4 c.1573A>G (p.Ile525Val) results in a conservative amino acid change located in the SMAD domain, Dwarfin-type (IPR001132) of the encoded protein sequence. Three of five in-silico tools predict a benign effect of the variant on protein function. The variant allele was found at a frequency of 0.00059 in 254026 control chromosomes, predominantly at a frequency of 0.00098 within the Latino subpopulation in the gnomAD database. The observed variant frequency within Latino control individuals in the gnomAD database is approximately 490 fold of the estimated maximal expected allele frequency for a pathogenic variant in SMAD4 causing Juvenile Polyposis Syndrome phenotype (2e-06), strongly suggesting that the variant is a benign polymorphism found primarily in populations of Latino origin. c.1573A>G has been reported in the literature in both non-cancer controls (example, Johnston_2012, Tram_2011) as well as in 2 patients with gastrointestinal polyposis (example, Ngeow_2013) and in others with cancer phenotypes and phenotypes not specified (example, Yorczyk_2015, Yurgelun_2015, Ring_2016, Maxwell_2016, Pelusi_2019, Tung_2015). The variant was also reported in somatic cancer tissues (example, Li_2015, Siroy_2015, Hamblin_2017). These report(s) do not provide unequivocal conclusions about association of the variant with Juvenile Polyposis Syndrome. To our knowledge, no experimental evidence demonstrating an impact on protein function has been reported. 14 clinical diagnostic laboratories have submitted clinical-significance assessments for this variant to ClinVar after 2014 without evidence for independent evaluation. The predominant consensus among all submitters is benign/likely benign (n=13). Based on the evidence outlined above and in alignment with the predominant consensus, the variant was classified as benign.

CHEO Genetics Diagnostic Laboratory, Children's Hospital of Eastern Ontario
Classification: Likely benign for Familial thoracic aortic aneurysm and aortic dissection. Last evaluated: 2021-01-15. Review status: criteria provided, single submitter. Criteria: ACMG Guidelines, 2015. Collection method: clinical testing. Allele origin: germline.

Sema4
Classification: Benign for Hereditary cancer-predisposing syndrome. Last evaluated: 2020-11-28. Review status: criteria provided, single submitter. Criteria: Sema4 Curation Guidelines. Collection method: curation. Allele origin: germline.

Genetic Services Laboratory, University of Chicago
Classification: Likely benign. Last evaluated: 2020-11-23. Review status: criteria provided, single submitter. Criteria: ACMG Guidelines, 2015. Collection method: clinical testing. Allele origin: germline. Affected: no.

Mendelics
Classification: Benign for Juvenile polyposis syndrome. Last evaluated: 2019-05-28. Review status: criteria provided, single submitter. Criteria: Mendelics Assertion Criteria 2017. Collection method: clinical testing. Allele origin: unknown.

Ambry Genetics
Classification: Benign for Hereditary cancer-predisposing syndrome; Familial thoracic aortic aneurysm and aortic dissection. Last evaluated: 2018-11-06. Review status: criteria provided, single submitter. Criteria: Ambry Variant Classification Scheme 2023. Collection method: clinical testing. Allele origin: germline.

NIHR Bioresource Rare Diseases, University of Cambridge
Classification: Likely benign for Juvenile polyposis/hereditary hemorrhagic telangiectasia syndrome. Last evaluated: 2018-01-01. Review status: criteria provided, single submitter. Criteria: ACMG Guidelines, 2015. Collection method: research. Allele origin: unknown. Affected: yes. Observed: 1 variant allele.
Comment: BS1 +BP2

PreventionGenetics, part of Exact Sciences
Classification: Likely benign. Last evaluated: 2017-08-18. Review status: criteria provided, single submitter. Criteria: ACMG Guidelines, 2015. Collection method: clinical testing. Allele origin: germline.